The following is an entry in ClinVar:

ClinVar aggregate classification (germline): Uncertain significance. Review status: criteria provided, multiple submitters, no conflicts (2 of 4 stars). 2 submissions from 2 submitters: Uncertain significance (2). Last evaluated 2025-11-18.

Conditions:
Encephalopathy, acute, infection-induced (herpes-specific), susceptibility to, 1. Also called: Herpes simplex encephalitis, susceptibility to, 1. Identifiers: Orphanet 1930, MedGen C2750180, MONDO:0024563, OMIM 610551.

gnomAD v4.1: 54 of 1,614,070 alleles (0.0033%); highest among the groups gnomAD compares: Non-Finnish European, 0.0045%; no homozygotes.

Submissions (2):

Labcorp Genetics (formerly Invitae), Labcorp
Classification: Uncertain significance for Encephalopathy, acute, infection-induced (herpes-specific), susceptibility to, 1. Last evaluated: 2025-11-18. Review status: criteria provided, single submitter. Criteria: Invitae Variant Classification Sherloc (09022015). Collection method: clinical testing. Allele origin: germline.
Comment: This sequence change replaces threonine, which is neutral and polar, with alanine, which is neutral and non-polar, at codon 86 of the TLR3 protein (p.Thr86Ala). This variant is present in population databases (rs749653770, gnomAD 0.007%). This variant has not been reported in the literature in individuals affected with TLR3-related conditions. ClinVar contains an entry for this variant (Variation ID: 1507298). An algorithm developed to predict the effect of missense changes on protein structure and function (PolyPhen-2) suggests that this variant is likely to be tolerated. In summary, the available evidence is currently insufficient to determine the role of this variant in disease. Therefore, it has been classified as a Variant of Uncertain Significance.

Ambry Genetics
Classification: Uncertain significance. Last evaluated: 2025-03-06. Review status: criteria provided, single submitter. Criteria: Ambry Variant Classification Scheme 2023. Collection method: clinical testing. Allele origin: germline.

NM_003265.3(TLR3):c.256A>G (p.Thr86Ala)

Gene: TLR3 (toll like receptor 3; plus strand). Cytogenetic location: 4q35.1.
Variant type: single nucleotide variant.
Coding change: c.256A>G on transcript NM_003265.3 (MANE Select); coding-DNA position 256, A replaced by G.
Protein change: p.Thr86Ala; replaces threonine 86 with alanine.
Molecular consequence: missense variant.
Genome position (GRCh38, 1-based): chr4:186,076,875, A>G. VCF-style: chr4-186076875-A-G. GRCh37 (hg19) VCF-style: chr4-186998029-A-G.
Other names: c.256A>G (NM_003265.2); short protein forms T86A.
Identifiers: ClinVar variation 1507298 (VCV001507298.7), dbSNP rs749653770, ClinGen allele CA112539638.